The following is an entry in ClinVar:

ClinVar aggregate classification (germline): Conflicting classifications of pathogenicity. Review status: criteria provided, conflicting classifications (1 of 4 stars). 3 submissions from 3 submitters: Uncertain significance (2); Likely benign (1). Last evaluated 2024-12-09.

Conditions:
Inborn genetic diseases. Identifiers: MedGen C0950123, MeSH D030342.
Ventriculomegaly-cystic kidney disease. Also called: Ventriculomegaly with cystic kidney disease. Identifiers: Orphanet 443988, MedGen C1857423, MONDO:0009063, OMIM 219730.
Focal segmental glomerulosclerosis 9 (FSGS9). Identifiers: Orphanet 656, MedGen C4015555, MONDO:0014539, OMIM 616220.

Submissions (3):

Ambry Genetics
Classification: Likely benign for Inborn genetic diseases. Last evaluated: 2024-12-09. Review status: criteria provided, single submitter. Criteria: Ambry Variant Classification Scheme 2023. Collection method: clinical testing. Allele origin: germline.

Labcorp Genetics (formerly Invitae), Labcorp
Classification: Uncertain significance. Last evaluated: 2022-03-05. Review status: criteria provided, single submitter. Criteria: Invitae Variant Classification Sherloc (09022015). Collection method: clinical testing. Allele origin: germline.
Comment: This variant has not been reported in the literature in individuals affected with CRB2-related conditions. This sequence change replaces glycine, which is neutral and non-polar, with serine, which is neutral and polar, at codon 318 of the CRB2 protein (p.Gly318Ser). The frequency data for this variant in the population databases is considered unreliable, as metrics indicate poor data quality at this position in the gnomAD database. Advanced modeling of protein sequence and biophysical properties (such as structural, functional, and spatial information, amino acid conservation, physicochemical variation, residue mobility, and thermodynamic stability) performed at Invitae indicates that this missense variant is not expected to disrupt CRB2 protein function. In summary, the available evidence is currently insufficient to determine the role of this variant in disease. Therefore, it has been classified as a Variant of Uncertain Significance.

Fulgent Genetics
Classification: Uncertain significance for Ventriculomegaly-cystic kidney disease; Focal segmental glomerulosclerosis 9. Last evaluated: 2022-02-15. Review status: criteria provided, single submitter. Criteria: ACMG Guidelines, 2015. Collection method: clinical testing. Allele origin: unknown.

NM_173689.7(CRB2):c.952G>A (p.Gly318Ser)

Gene: CRB2 (crumbs cell polarity complex component 2; plus strand). Cytogenetic location: 9q33.3.
Variant type: single nucleotide variant.
Coding change: c.952G>A on transcript NM_173689.7 (MANE Select); coding-DNA position 952, G replaced by A.
Protein change: p.Gly318Ser; replaces glycine 318 with serine.
Molecular consequence: missense variant.
Genome position (GRCh38, 1-based): chr9:123,367,584, G>A. VCF-style: chr9-123367584-G-A. GRCh37 (hg19) VCF-style: chr9-126129863-G-A.
Other names: c.952G>A (NM_173689.5); short protein forms G318S.
Identifiers: ClinVar variation 1411224 (VCV001411224.10), dbSNP rs759937525, ClinGen allele CA5231857.